The following is an entry in ClinVar:

ClinVar aggregate classification (germline): Uncertain significance. Review status: criteria provided, multiple submitters, no conflicts (2 of 4 stars). 2 submissions from 2 submitters: Uncertain significance (2). Last evaluated 2025-11-05.

Conditions:
Cardiovascular phenotype. Identifiers: MedGen CN230736.
Hereditary cancer-predisposing syndrome. Also called: Neoplastic Syndromes, Hereditary; Hereditary neoplastic syndrome; Tumor predisposition; Hereditary Cancer Syndrome. Identifiers: Orphanet 140162, MedGen C0027672, MeSH D009386, MONDO:0015356.

gnomAD v4.1: 1 of 1,612,932 alleles (0.000062%); highest among the groups gnomAD compares: Non-Finnish European, 0.000085%; no homozygotes.

Submissions (2):

Labcorp Genetics (formerly Invitae), Labcorp
Classification: Uncertain significance. Last evaluated: 2025-11-05. Review status: criteria provided, single submitter. Criteria: Invitae Variant Classification Sherloc (09022015). Collection method: clinical testing. Allele origin: germline.
Comment: This sequence change replaces valine, which is neutral and non-polar, with leucine, which is neutral and non-polar, at codon 579 of the LZTR1 protein (p.Val579Leu). This variant is not present in population databases (gnomAD no frequency). This variant has not been reported in the literature in individuals affected with LZTR1-related conditions. ClinVar contains an entry for this variant (Variation ID: 2893432). Invitae Evidence Modeling of protein sequence and biophysical properties (such as structural, functional, and spatial information, amino acid conservation, physicochemical variation, residue mobility, and thermodynamic stability) indicates that this missense variant is not expected to disrupt LZTR1 protein function with a negative predictive value of 80%. In summary, the available evidence is currently insufficient to determine the role of this variant in disease. Therefore, it has been classified as a Variant of Uncertain Significance.

Ambry Genetics
Classification: Uncertain significance for Cardiovascular phenotype; Hereditary cancer-predisposing syndrome. Last evaluated: 2025-10-07. Review status: criteria provided, single submitter. Criteria: Ambry Variant Classification Scheme 2023. Collection method: clinical testing. Allele origin: germline.
Comment: The p.V579L variant (also known as c.1735G>T), located in coding exon 15 of the LZTR1 gene, results from a G to T substitution at nucleotide position 1735. The valine at codon 579 is replaced by leucine, an amino acid with highly similar properties. This amino acid position is highly conserved in available vertebrate species. In addition, the in silico prediction for this alteration is inconclusive. Since supporting evidence is limited at this time, the clinical significance of this alteration remains unclear.

NM_006767.4(LZTR1):c.1735G>T (p.Val579Leu)

Gene: LZTR1 (leucine zipper like post translational regulator 1; plus strand). Cytogenetic location: 22q11.21.
Variant type: single nucleotide variant.
Coding change: c.1735G>T on transcript NM_006767.4 (MANE Select); coding-DNA position 1735, G replaced by T.
Protein change: p.Val579Leu; replaces valine 579 with leucine.
Molecular consequence: missense variant.
Genome position (GRCh38, 1-based): chr22:20,994,677, G>T. VCF-style: chr22-20994677-G-T. GRCh37 (hg19) VCF-style: chr22-21348966-G-T.
Other names: c.1735G>T (NM_006767.3); short protein forms V579L.
Identifiers: ClinVar variation 2893432 (VCV002893432.5), dbSNP rs765416902, ClinGen allele CA410778162.